The following is an entry in ClinVar:

NM_144997.7(FLCN):c.1280C>A (p.Pro427His)

Gene: FLCN (folliculin; minus strand). Cytogenetic location: 17p11.2.
Variant type: single nucleotide variant.
Coding change: c.1280C>A on transcript NM_144997.7 (MANE Select); coding-DNA position 1280, C replaced by A.
Protein change: p.Pro427His; replaces proline 427 with histidine.
Molecular consequence: missense variant.
Genome position (GRCh38, 1-based): chr17:17,216,400, G>T on the plus strand (C>A on the coding strand, the complement: FLCN is on the minus strand). VCF-style: chr17-17216400-G-T. GRCh37 (hg19) VCF-style: chr17-17119714-G-T.
Other names: c.1334C>A, p.Pro445His (NM_001353229.2); c.1280C>A, p.Pro427His (NM_001353230.2, NM_001353231.2); short protein forms P445H, P427H.
Identifiers: ClinVar variation 1767794 (VCV001767794.9), dbSNP rs766218250, ClinGen allele CA8416078.

ClinVar aggregate classification (germline): Conflicting classifications of pathogenicity. Review status: criteria provided, conflicting classifications (1 of 4 stars). 5 submissions from 5 submitters: Uncertain significance (4); Likely benign (1). Last evaluated 2025-09-16.

Conditions:
Hereditary cancer-predisposing syndrome. Also called: Tumor predisposition; Neoplastic Syndromes, Hereditary; Hereditary Cancer Syndrome; Hereditary neoplastic syndrome. Identifiers: Orphanet 140162, MedGen C0027672, MeSH D009386, MONDO:0015356.
Birt-Hogg-Dube syndrome 1 (BHD1). Also called: FIBROFOLLICULOMAS WITH TRICHODISCOMAS AND ACROCHORDONS. Identifiers: Orphanet 122, MedGen CN375946, MONDO:0800445, OMIM 135150.
Birt-Hogg-Dube syndrome. Also called: Birt Hogg Dubé syndrome. Identifiers: Orphanet 122, MedGen C0346010, MONDO:0800444.

Allele frequency attached by ClinVar (database versions not stated): ExAC 0.00001.
gnomAD v4.1: 2 of 1,613,532 alleles (0.00012%); highest among the groups gnomAD compares: African/African-American, 0.0027%; no homozygotes.

Submissions (5):

Labcorp Genetics (formerly Invitae), Labcorp
Classification: Uncertain significance for Birt-Hogg-Dube syndrome. Last evaluated: 2025-09-16. Review status: criteria provided, single submitter. Criteria: Invitae Variant Classification Sherloc (09022015). Collection method: clinical testing. Allele origin: germline.
Comment: This sequence change replaces proline, which is neutral and non-polar, with histidine, which is basic and polar, at codon 427 of the FLCN protein (p.Pro427His). This variant is present in population databases (rs766218250, gnomAD 0.01%). This variant has not been reported in the literature in individuals affected with FLCN-related conditions. ClinVar contains an entry for this variant (Variation ID: 1767794). Invitae Evidence Modeling of protein sequence and biophysical properties (such as structural, functional, and spatial information, amino acid conservation, physicochemical variation, residue mobility, and thermodynamic stability) indicates that this missense variant is expected to disrupt FLCN protein function with a positive predictive value of 80%. In summary, the available evidence is currently insufficient to determine the role of this variant in disease. Therefore, it has been classified as a Variant of Uncertain Significance.

Ambry Genetics
Classification: Uncertain significance for Hereditary cancer-predisposing syndrome. Last evaluated: 2025-07-09. Review status: criteria provided, single submitter. Criteria: Ambry Variant Classification Scheme 2023. Collection method: clinical testing. Allele origin: germline.
Comment: The p.P427H variant (also known as c.1280C>A), located in coding exon 8 of the FLCN gene, results from a C to A substitution at nucleotide position 1280. The proline at codon 427 is replaced by histidine, an amino acid with similar properties. This amino acid position is highly conserved in available vertebrate species. In addition, this alteration is predicted to be deleterious by in silico analysis. Based on data from gnomAD, the frequency for this variant is above the maximum credible frequency for a disease-causing variant in this gene based on internally established thresholds (Karczewski et al. Nature. 2020 May;581(7809):434-443; Whiffin et al. Genet Med. 2017 10;19:1151-1158). Based on the available evidence, the clinical significance of this variant remains unclear.

Myriad Genetics, Inc.
Classification: Likely benign for Birt-Hogg-Dube syndrome 1. Last evaluated: 2024-08-07. Review status: criteria provided, single submitter. Criteria: Myriad Autosomal Dominant, Autosomal Recessive and X-Linked Classification Criteria (2023). Collection method: clinical testing. Allele origin: unknown.
Comment: This variant is considered likely benign. This variant has been observed at a population frequency that is significantly greater than expected given the associated disease prevalence and penetrance.

GeneDx
Classification: Uncertain significance. Last evaluated: 2024-01-29. Review status: criteria provided, single submitter. Criteria: GeneDx Variant Classification Process June 2021. Collection method: clinical testing. Allele origin: germline. Affected: yes.
Comment: Not observed at significant frequency in large population cohorts (gnomAD); In silico analysis supports that this missense variant has a deleterious effect on protein structure/function; Has not been previously published as pathogenic or benign to our knowledge; This variant is associated with the following publications: (PMID: 17028174)

Baylor Genetics
Classification: Uncertain significance for Birt-Hogg-Dube syndrome 1. Last evaluated: 2023-08-28. Review status: criteria provided, single submitter. Criteria: ACMG Guidelines, 2015. Collection method: clinical testing. Allele origin: unknown.